The following is an entry in ClinVar:

ClinVar aggregate classification (germline): Uncertain significance (1 of 4 stars; one submission).

Submission:

Dasa
Classification: Uncertain significance. Last evaluated: 2026-05-20. Review status: criteria provided, single submitter. Criteria: DASA Assertion Criteria. Collection method: clinical testing. Allele origin: germline.
Comment: NM_001205254.2(OCLN):c.967A>G (p.Met323Val) is a missense variant that results in the substitution of methionine with valine. This variant is rare in population databases. The currently available literature and clinical evidence are not sufficient to establish a definitive association between this variant and the reported condition. Therefore, this variant is classified as a variant of uncertain significance.

NM_001205254.2(OCLN):c.967A>G (p.Met323Val)

Gene: OCLN (occludin; plus strand). Cytogenetic location: 5q13.2.
Variant type: single nucleotide variant.
Coding change: c.967A>G on transcript NM_001205254.2 (MANE Select); coding-DNA position 967, A replaced by G.
Protein change: p.Met323Val; replaces methionine 323 with valine.
Molecular consequence: missense variant.
Genome position (GRCh38, 1-based): chr5:69,534,769, A>G. VCF-style: chr5-69534769-A-G. GRCh37 (hg19) VCF-style: chr5-68830596-A-G.
Other names: c.214A>G, p.Met72Val (NM_001205255.2); c.805A>G, p.Met269Val (NM_001410743.1, NM_001438048.1); c.967A>G, p.Met323Val (NM_001438604.1, NM_002538.4); short protein forms M269V, M323V, M72V.
Identifiers: ClinVar variation 5020527 (VCV005020527.1).